The following is an entry in ClinVar:

NM_020408.6(LYRM4):c.87-39G>A

Genes: LYRM4 (LYR motif containing 4; minus strand), LYRM4-AS1 (LYRM4 antisense RNA 1; plus strand). Cytogenetic location: 6p25.1.
Variant type: single nucleotide variant.
Coding change: c.87-39G>A on transcript NM_020408.6 (MANE Select); 39 bases into the intron before coding-DNA position 87, G replaced by A.
Molecular consequence: intron variant.
Genome position (GRCh38, 1-based): chr6:5,216,777, C>T on the plus strand (G>A on the coding strand, the complement: LYRM4 is on the minus strand). VCF-style: chr6-5216777-C-T. GRCh37 (hg19) VCF-style: chr6-5217010-C-T.
Other names: c.87-39G>A (NM_001318783.1, NM_001164841.3, NM_001318782.1 and 1 more transcripts).
Identifiers: ClinVar variation 676148 (VCV000676148.1), dbSNP rs41302851, ClinGen allele CA3623523.

ClinVar aggregate classification (germline): Benign (1 of 4 stars; one submission).

Allele frequency attached by ClinVar (database versions not stated): TOPMed 0.29862; ESP Exome Variant Server 0.30209; 1000 Genomes Project 30x 0.31465; 1000 Genomes Project 0.32388; gnomAD 0.32947.
gnomAD v4.1: 626,187 of 1,595,496 alleles (39%); highest among the groups gnomAD compares: South Asian, 45%; 127,510 homozygotes.

Submission:

GeneDx
Classification: Benign. Last evaluated: 2018-06-14. Review status: criteria provided, single submitter. Criteria: GeneDx Variant Classification (06012015). Collection method: clinical testing. Allele origin: germline. Affected: yes.
Comment: This variant is considered likely benign or benign based on one or more of the following criteria: it is a conservative change, it occurs at a poorly conserved position in the protein, it is predicted to be benign by multiple in silico algorithms, and/or has population frequency not consistent with disease.